The following is an entry in ClinVar:

NM_139058.3(ARX):c.547G>T (p.Val183Leu)

Gene: ARX (aristaless related homeobox; minus strand). Cytogenetic location: Xp21.3.
Variant type: single nucleotide variant.
Coding change: c.547G>T on transcript NM_139058.3 (MANE Select); coding-DNA position 547, G replaced by T.
Protein change: p.Val183Leu; replaces valine 183 with leucine.
Molecular consequence: missense variant.
Genome position (GRCh38, 1-based): chrX:25,013,448, C>A on the plus strand (G>T on the coding strand, the complement: ARX is on the minus strand). VCF-style: chrX-25013448-C-A. GRCh37 (hg19) VCF-style: chrX-25031565-C-A.
Other names: short protein forms V183L.
Identifiers: ClinVar variation 3755880 (VCV003755880.2).
Genomic context (GRCh38, chrX:25,013,448, plus strand): 5'-CCTCCGGGTGCGTGACGCCCCCCGGGCCGCCCAGCTCGTCCAGCGCGGGCGGCGGCGGCA[C>A]GAAGGGCGCCCCGTTCTCGCGGTACGACTTGCTGCGGCTGATGCTCACCTGCGGCGCCTG-3'
Protein context (NP_620689.1, residues 173-193): KSYRENGAPF[Val183Leu]PPPPALDELG

ClinVar aggregate classification (germline): Uncertain significance (1 of 4 stars; one submission).

Conditions:
Developmental and epileptic encephalopathy, 1 (DEE1). Also called: X-linked infantile spasms; West's syndrome; Tonic spasms with clustering, arrest of psychomotor development and hypsarrhythmia on EEG; X-Linked Infantile Spasm Syndrome; OHTAHARA SYNDROME, X-LINKED; Epileptic encephalopathy, early infantile, 1. Identifiers: MedGen C3463992, MONDO:0010632, OMIM 308350. Disease mechanism: loss of function.
Intellectual disability, X-linked, with or without seizures, ARX-related. Also called: Mental retardation, X-linked 52; MENTAL RETARDATION, X-LINKED 29; MENTAL RETARDATION, X-LINKED 32; MENTAL RETARDATION, X-LINKED 33; MENTAL RETARDATION, X-LINKED 38; MENTAL RETARDATION, X-LINKED 43. Identifiers: Orphanet 777, MedGen C0796244, MONDO:0010317, OMIM 300419.

Submission:

Labcorp Genetics (formerly Invitae), Labcorp
Classification: Uncertain significance for Developmental and epileptic encephalopathy, 1; Intellectual disability, X-linked, with or without seizures, ARX-related. Last evaluated: 2024-09-10. Review status: criteria provided, single submitter. Criteria: Invitae Variant Classification Sherloc (09022015). Collection method: clinical testing. Allele origin: germline.
Comment: This sequence change replaces valine, which is neutral and non-polar, with leucine, which is neutral and non-polar, at codon 183 of the ARX protein (p.Val183Leu). The frequency data for this variant in the population databases is considered unreliable, as metrics indicate insufficient coverage at this position in the gnomAD database. This variant has not been reported in the literature in individuals affected with ARX-related conditions. Invitae Evidence Modeling of protein sequence and biophysical properties (such as structural, functional, and spatial information, amino acid conservation, physicochemical variation, residue mobility, and thermodynamic stability) indicates that this missense variant is not expected to disrupt ARX protein function with a negative predictive value of 95%. In summary, the available evidence is currently insufficient to determine the role of this variant in disease. Therefore, it has been classified as a Variant of Uncertain Significance.